The following is an entry in ClinVar:

NM_001371904.1(APOA5):c.788G>A (p.Gly263Asp)

Gene: APOA5 (apolipoprotein A5; minus strand). Cytogenetic location: 11q23.3.
Variant type: single nucleotide variant.
Coding change: c.788G>A on transcript NM_001371904.1 (MANE Select); coding-DNA position 788, G replaced by A.
Protein change: p.Gly263Asp; replaces glycine 263 with aspartic acid.
Molecular consequence: missense variant.
Genome position (GRCh38, 1-based): chr11:116,790,441, C>T on the plus strand (G>A on the coding strand, the complement: APOA5 is on the minus strand). VCF-style: chr11-116790441-C-T. GRCh37 (hg19) VCF-style: chr11-116661157-C-T.
Other names: c.788G>A, p.Gly263Asp (NM_001166598.2, NM_052968.5); short protein forms G263D.
Identifiers: ClinVar variation 3673727 (VCV003673727.2).

ClinVar aggregate classification (germline): Uncertain significance (1 of 4 stars; one submission).

Submission:

Labcorp Genetics (formerly Invitae), Labcorp
Classification: Uncertain significance. Last evaluated: 2024-11-25. Review status: criteria provided, single submitter. Criteria: Invitae Variant Classification Sherloc (09022015). Collection method: clinical testing. Allele origin: germline.
Comment: This sequence change replaces glycine, which is neutral and non-polar, with aspartic acid, which is acidic and polar, at codon 263 of the APOA5 protein (p.Gly263Asp). This variant is not present in population databases (gnomAD no frequency). This variant has not been reported in the literature in individuals affected with APOA5-related conditions. An algorithm developed to predict the effect of missense changes on protein structure and function (PolyPhen-2) suggests that this variant is likely to be disruptive. In summary, the available evidence is currently insufficient to determine the role of this variant in disease. Therefore, it has been classified as a Variant of Uncertain Significance.